The following is an entry in ClinVar:

NM_014014.5(SNRNP200):c.4996A>T (p.Thr1666Ser)

Gene: SNRNP200 (small nuclear ribonucleoprotein U5 subunit 200; minus strand). Cytogenetic location: 2q11.2.
Variant type: single nucleotide variant.
Coding change: c.4996A>T on transcript NM_014014.5 (MANE Select); coding-DNA position 4996, A replaced by T.
Protein change: p.Thr1666Ser; replaces threonine 1666 with serine.
Molecular consequence: missense variant.
Genome position (GRCh38, 1-based): chr2:96,281,842, T>A on the plus strand (A>T on the coding strand, the complement: SNRNP200 is on the minus strand). VCF-style: chr2-96281842-T-A. GRCh37 (hg19) VCF-style: chr2-96947580-T-A.
Other names: short protein forms T1666S.
Identifiers: ClinVar variation 1466622 (VCV001466622.7), dbSNP rs2104337284, ClinGen allele CA347662198.

ClinVar aggregate classification (germline): Uncertain significance. Review status: criteria provided, single submitter (1 of 4 stars). 2 submissions from 2 submitters: Uncertain significance (1). 1 of the submissions does not count toward it. Last evaluated 2021-09-10.

Conditions:
Retinal dystrophy. Also called: Inherited retinal dystrophy. Identifiers: Orphanet 71862, MedGen C0854723, MeSH D058499, MONDO:0019118, HP:0000556.

Submissions (2):

Labcorp Genetics (formerly Invitae), Labcorp
Classification: Uncertain significance. Last evaluated: 2021-09-10. Review status: criteria provided, single submitter. Criteria: Invitae Variant Classification Sherloc (09022015). Collection method: clinical testing. Allele origin: germline.
Comment: In summary, the available evidence is currently insufficient to determine the role of this variant in disease. Therefore, it has been classified as a Variant of Uncertain Significance. Algorithms developed to predict the effect of missense changes on protein structure and function are either unavailable or do not agree on the potential impact of this missense change (SIFT: "Deleterious"; PolyPhen-2: "Probably Damaging"; Align-GVGD: "Class C0"). This variant has not been reported in the literature in individuals affected with SNRNP200-related conditions. This variant is not present in population databases (ExAC no frequency). This sequence change replaces threonine with serine at codon 1666 of the SNRNP200 protein (p.Thr1666Ser). The threonine residue is highly conserved and there is a small physicochemical difference between threonine and serine.

Institute of Human Genetics, Univ. Regensburg, Univ. Regensburg
Classification: Uncertain significance for Retinal dystrophy. Last evaluated: 2015-01-01. Review status: no assertion criteria provided. Criteria: ACMG Guidelines, 2015. Collection method: clinical testing. Allele origin: germline. Affected: yes. Not counted in ClinVar's aggregate classification.